The following is an entry in ClinVar:

NM_000390.4(CHM):c.1695T>G (p.Tyr565Ter)

Gene: CHM (CHM Rab escort protein; minus strand). Cytogenetic location: Xq21.2.
Variant type: single nucleotide variant.
Coding change: c.1695T>G on transcript NM_000390.4 (MANE Select); coding-DNA position 1695, T replaced by G.
Protein change: p.Tyr565Ter; replaces tyrosine 565 with a stop codon.
Molecular consequence: nonsense.
Genome position (GRCh38, 1-based): chrX:85,873,127, A>C on the plus strand (T>G on the coding strand, the complement: CHM is on the minus strand). VCF-style: chrX-85873127-A-C. GRCh37 (hg19) VCF-style: chrX-85128132-A-C.
Other names: c.1251T>G, p.Tyr417Ter (NM_001320959.1, NM_001362517.1, NM_001362518.2 and 1 more transcripts); short protein forms Y565*, Y417*.
Identifiers: ClinVar variation 1380902 (VCV001380902.8), dbSNP rs764025364, ClinGen allele CA413786602.

ClinVar aggregate classification (germline): Pathogenic. Review status: criteria provided, multiple submitters, no conflicts (2 of 4 stars). 2 submissions from 2 submitters: Pathogenic (2). Last evaluated 2022-09-01.

Conditions:
Choroideremia. Also called: Chorioretinal scalloped atrophy. Identifiers: Orphanet 180, MedGen C0008525, MONDO:0010557, OMIM 303100, HP:0001139.

Submissions (2):

Labcorp Genetics (formerly Invitae), Labcorp
Classification: Pathogenic. Last evaluated: 2022-09-01. Review status: criteria provided, single submitter. Criteria: Invitae Variant Classification Sherloc (09022015). Collection method: clinical testing. Allele origin: germline.
Comment: For these reasons, this variant has been classified as Pathogenic. ClinVar contains an entry for this variant (Variation ID: 1380902). This variant has not been reported in the literature in individuals affected with CHM-related conditions. This variant is not present in population databases (gnomAD no frequency). This sequence change creates a premature translational stop signal (p.Tyr565*) in the CHM gene. It is expected to result in an absent or disrupted protein product. Loss-of-function variants in CHM are known to be pathogenic (PMID: 9067750, 23811034).

Juno Genomics, Hangzhou Juno Genomics, Inc
Classification: Pathogenic for Choroideremia. Review status: criteria provided, single submitter. Criteria: ACMG Guidelines, 2015. Collection method: clinical testing. Allele origin: germline. Affected: yes.
Comment: Absent from controls (or at extremely low frequency if recessive) in Genome Aggregation Database, Exome Sequencing Project, 1000 Genomes Project, or Exome Aggregation Consortium.;Null variant in a gene where loss of function (LOF) is a known mechanism of disease.;The prevalence of the variant in affected individuals is significantly increased compared to the prevalence in controls.;Patient's phenotype or family history is highly specific for a disease with a single genetic etiology.

Literature cited by the submitters: PubMed 9067750 (cited by Labcorp Genetics (formerly Invitae), Labcorp); PubMed 23811034 (cited by Labcorp Genetics (formerly Invitae), Labcorp).